The following is an entry in ClinVar:

NM_000550.3(TYRP1):c.437G>A (p.Arg146Gln)

Gene: TYRP1 (tyrosinase related protein 1; plus strand). Cytogenetic location: 9p23.
Variant type: single nucleotide variant.
Coding change: c.437G>A on transcript NM_000550.3 (MANE Select); coding-DNA position 437, G replaced by A.
Protein change: p.Arg146Gln; replaces arginine 146 with glutamine.
Molecular consequence: missense variant.
Genome position (GRCh38, 1-based): chr9:12,695,566, G>A. VCF-style: chr9-12695566-G-A. GRCh37 (hg19) VCF-style: chr9-12695566-G-A.
Other names: c.437G>A (NM_000550.2); short protein forms R146Q.
Identifiers: ClinVar variation 1906093 (VCV001906093.6), dbSNP rs768377981, ClinGen allele CA4985230.

ClinVar aggregate classification (germline): Conflicting classifications of pathogenicity. Review status: criteria provided, conflicting classifications (1 of 4 stars). 2 submissions from 2 submitters: Uncertain significance (1); Likely benign (1). Last evaluated 2025-08-06.

Conditions:
Inborn genetic diseases. Identifiers: MedGen C0950123, MeSH D030342.

Allele frequency attached by ClinVar (database versions not stated): ExAC 0.00002; TOPMed 0.00004; gnomAD 0.00005; gnomAD exomes 0.00005.
gnomAD v4.1: 74 of 1,614,000 alleles (0.0046%); highest among the groups gnomAD compares: East Asian, 0.071%; no homozygotes.

Submissions (2):

Ambry Genetics
Classification: Likely benign for Inborn genetic diseases. Last evaluated: 2025-08-06. Review status: criteria provided, single submitter. Criteria: Ambry Variant Classification Scheme 2023. Collection method: clinical testing. Allele origin: germline.

Labcorp Genetics (formerly Invitae), Labcorp
Classification: Uncertain significance. Last evaluated: 2024-10-26. Review status: criteria provided, single submitter. Criteria: Invitae Variant Classification Sherloc (09022015). Collection method: clinical testing. Allele origin: germline.
Comment: This sequence change replaces arginine, which is basic and polar, with glutamine, which is neutral and polar, at codon 146 of the TYRP1 protein (p.Arg146Gln). This variant is present in population databases (rs768377981, gnomAD 0.01%). This variant has not been reported in the literature in individuals affected with TYRP1-related conditions. ClinVar contains an entry for this variant (Variation ID: 1906093). Invitae Evidence Modeling of protein sequence and biophysical properties (such as structural, functional, and spatial information, amino acid conservation, physicochemical variation, residue mobility, and thermodynamic stability) indicates that this missense variant is not expected to disrupt TYRP1 protein function with a negative predictive value of 80%. In summary, the available evidence is currently insufficient to determine the role of this variant in disease. Therefore, it has been classified as a Variant of Uncertain Significance.